The following is an entry in ClinVar:

ClinVar aggregate classification (germline): Uncertain significance (1 of 4 stars; one submission).

Allele frequency attached by ClinVar (database versions not stated): gnomAD 0.00001; TOPMed 0.00003; ESP Exome Variant Server 0.00008.
gnomAD v4.1: 11 of 1,559,006 alleles (0.00071%); highest among the groups gnomAD compares: Non-Finnish European, 0.00087%; no homozygotes.

Submission:

Labcorp Genetics (formerly Invitae), Labcorp
Classification: Uncertain significance. Last evaluated: 2022-05-31. Review status: criteria provided, single submitter. Criteria: Invitae Variant Classification Sherloc (09022015). Collection method: clinical testing. Allele origin: germline.
Comment: This sequence change replaces glycine, which is neutral and non-polar, with valine, which is neutral and non-polar, at codon 2321 of the CEP250 protein (p.Gly2321Val). In summary, the available evidence is currently insufficient to determine the role of this variant in disease. Therefore, it has been classified as a Variant of Uncertain Significance. Algorithms developed to predict the effect of sequence changes on RNA splicing suggest that this variant may create or strengthen a splice site. Algorithms developed to predict the effect of missense changes on protein structure and function are either unavailable or do not agree on the potential impact of this missense change (SIFT: "Not Available"; PolyPhen-2: "Benign"; Align-GVGD: "Not Available"). This variant has not been reported in the literature in individuals affected with CEP250-related conditions. The frequency data for this variant in the population databases is considered unreliable, as metrics indicate poor data quality at this position in the gnomAD database.

NM_007186.6(CEP250):c.6962G>T (p.Gly2321Val)

Gene: CEP250 (centrosomal protein 250; plus strand). Cytogenetic location: 20q11.22.
Variant type: single nucleotide variant.
Coding change: c.6962G>T on transcript NM_007186.6 (MANE Select); coding-DNA position 6962, G replaced by T.
Protein change: p.Gly2321Val; replaces glycine 2321 with valine.
Molecular consequence: missense variant.
Genome position (GRCh38, 1-based): chr20:35,508,998, G>T. VCF-style: chr20-35508998-G-T. GRCh37 (hg19) VCF-style: chr20-34096827-G-T.
Other names: c.5066G>T, p.Gly1689Val (NM_001318219.1); short protein forms G1689V, G2321V.
Identifiers: ClinVar variation 1904763 (VCV001904763.3), dbSNP rs374249192, ClinGen allele CA9834200.